The following is an entry in ClinVar:

ClinVar aggregate classification (germline): Uncertain significance (1 of 4 stars; one submission).

gnomAD v4.1: 38 of 1,612,994 alleles (0.0024%); highest among the groups gnomAD compares: South Asian, 0.0033%; no homozygotes.

Submission:

Mayo Clinic Laboratories, Mayo Clinic
Classification: Uncertain significance. Last evaluated: 2024-07-25. Review status: criteria provided, single submitter. Criteria: ACMG Guidelines, 2015. Collection method: clinical testing. Allele origin: germline. Observed: 1 variant allele.
Comment: PP3, PM2

NM_001374504.1(TMPRSS6):c.1699C>T (p.Arg567Cys)

Gene: TMPRSS6 (transmembrane serine protease 6; minus strand). Cytogenetic location: 22q12.3.
Variant type: single nucleotide variant.
Coding change: c.1699C>T on transcript NM_001374504.1 (MANE Select); coding-DNA position 1699, C replaced by T.
Protein change: p.Arg567Cys; replaces arginine 567 with cysteine.
Molecular consequence: missense variant.
Genome position (GRCh38, 1-based): chr22:37,070,626, G>A on the plus strand (C>T on the coding strand, the complement: TMPRSS6 is on the minus strand). VCF-style: chr22-37070626-G-A. GRCh37 (hg19) VCF-style: chr22-37466666-G-A.
Other names: p.Arg576Cys; c.1699C>T, p.Arg567Cys (NM_001289000.2, NM_001289001.2, NM_153609.4); short protein forms R567C.
Identifiers: ClinVar variation 3380716 (VCV003380716.1).